The following is an entry in ClinVar:

ClinVar aggregate classification (germline): Pathogenic (1 of 4 stars; one submission).

Submission:

GeneDx
Classification: Pathogenic. Last evaluated: 2013-05-17. Review status: criteria provided, single submitter. Criteria: GeneDx Variant Classification (06012015). Collection method: clinical testing. Allele origin: germline. Affected: yes.
Comment: Although the c.601_605delGTATC mutation in the DSG2 gene has not been reported to our knowledge, this mutation causes a shift in reading frame starting at codon Valine 201, changing it to a Serine, and creating a premature stop codon at position 13 of the new reading frame, denoted p.Val201SerfsX13. This mutation is expected to result in either an abnormal, truncated protein product or loss of protein from this allele through nonsense-mediated mRNA decay. Other frameshift mutations in the DSG2 gene have been reported in association with ARVC. In summary, c.601_605delGTATC in the DSG2 gene is interpreted as a disease-causing mutation.

NM_001943.5(DSG2):c.601_605del (p.Val201fs)

Gene: DSG2 (desmoglein 2; plus strand). Cytogenetic location: 18q12.1.
Variant type: Deletion.
Coding change: c.601_605del on transcript NM_001943.5 (MANE Select); coding-DNA positions 601 to 605, 5 bases deleted (GTATC; older notation c.601_605delGTATC).
Protein change: p.Val201fs; shifts the reading frame from valine 201.
Molecular consequence: frameshift variant.
Genome position (GRCh38, 1-based): chr18:31,522,160-31,522,164, GTATC deleted; deleting any 5 consecutive bases within chr18:31,522,157-31,522,164 gives the same sequence; the c. name uses the placement nearest the transcript's 3' end. VCF-style (leftmost placement, unchanged base first): chr18-31522156-AATCGT-A. GRCh37 (hg19) VCF-style: chr18-29102119-AATCGT-A.
Other names: c.601_605del (LRG_397t1); short protein forms V201fs.
Identifiers: ClinVar variation 199823 (VCV000199823.2), dbSNP rs794728092, ClinGen allele CA022208.